The following is an entry in ClinVar:

NM_199420.4(POLQ):c.3614G>C (p.Ser1205Thr)

Gene: POLQ (DNA polymerase theta; minus strand). Cytogenetic location: 3q13.33.
Variant type: single nucleotide variant.
Coding change: c.3614G>C on transcript NM_199420.4 (MANE Select); coding-DNA position 3614, G replaced by C.
Protein change: p.Ser1205Thr; replaces serine 1205 with threonine.
Molecular consequence: missense variant.
Genome position (GRCh38, 1-based): chr3:121,489,317, C>G on the plus strand (G>C on the coding strand, the complement: POLQ is on the minus strand). VCF-style: chr3-121489317-C-G. GRCh37 (hg19) VCF-style: chr3-121208164-C-G.
Other names: short protein forms S1205T.
Identifiers: ClinVar variation 3229949 (VCV003229949.1), dbSNP rs760876842, ClinGen allele CA354098697.

ClinVar aggregate classification (germline): Uncertain significance (1 of 4 stars; one submission).

gnomAD v4.1: 1 of 1,613,638 alleles (0.000062%); no homozygotes.

Submission:

Ambry Genetics
Classification: Uncertain significance. Last evaluated: 2023-10-08. Review status: criteria provided, single submitter. Criteria: Ambry Variant Classification Scheme 2023. Collection method: clinical testing. Allele origin: germline.
Comment: The p.S1205T variant (also known as c.3614G>C), located in coding exon 16 of the POLQ gene, results from a G to C substitution at nucleotide position 3614. The serine at codon 1205 is replaced by threonine, an amino acid with similar properties. This amino acid position is conserved. In addition, this alteration is predicted to be tolerated by in silico analysis. Since supporting evidence is limited at this time, the clinical significance of this alteration remains unclear.